The following is an entry in ClinVar:

NM_006031.6(PCNT):c.3507del (p.Phe1169fs)

Gene: PCNT (pericentrin; plus strand). Cytogenetic location: 21q22.3.
Variant type: Deletion.
Coding change: c.3507del on transcript NM_006031.6 (MANE Select); coding-DNA position 3507, one base deleted (T; older notation c.3507delT).
Protein change: p.Phe1169fs; shifts the reading frame from phenylalanine 1169.
Molecular consequence: frameshift variant.
Genome position (GRCh38, 1-based): chr21:46,388,784, T deleted; the last of 3 consecutive T bases (chr21:46,388,782-46,388,784); deleting any one gives the same sequence. VCF-style (leftmost placement, unchanged base first): chr21-46388781-GT-G. GRCh37 (hg19) VCF-style: chr21-47808696-GT-G.
Other names: c.3153del, p.Phe1051fs (NM_001315529.2); short protein forms F1051fs, F1169fs.
Identifiers: ClinVar variation 2694502 (VCV002694502.3), dbSNP rs2518522193, ClinGen allele CA2697547661.

ClinVar aggregate classification (germline): Pathogenic (1 of 4 stars; one submission).

Submission:

Labcorp Genetics (formerly Invitae), Labcorp
Classification: Pathogenic. Last evaluated: 2023-11-09. Review status: criteria provided, single submitter. Criteria: Invitae Variant Classification Sherloc (09022015). Collection method: clinical testing. Allele origin: germline.
Comment: This sequence change creates a premature translational stop signal (p.Phe1169Leufs*5) in the PCNT gene. It is expected to result in an absent or disrupted protein product. Loss-of-function variants in PCNT are known to be pathogenic (PMID: 18174396, 22821869). This variant is not present in population databases (gnomAD no frequency). This variant has not been reported in the literature in individuals affected with PCNT-related conditions. For these reasons, this variant has been classified as Pathogenic.

Literature cited by the submitters: PubMed 18174396; PubMed 22821869.